The following is an entry in ClinVar:

NM_000428.3(LTBP2):c.4477G>A (p.Gly1493Arg)

Gene: LTBP2 (latent transforming growth factor beta binding protein 2; minus strand). Cytogenetic location: 14q24.3.
Variant type: single nucleotide variant.
Coding change: c.4477G>A on transcript NM_000428.3 (MANE Select); coding-DNA position 4477, G replaced by A.
Protein change: p.Gly1493Arg; replaces glycine 1493 with arginine.
Molecular consequence: missense variant.
Genome position (GRCh38, 1-based): chr14:74,504,031, C>T on the plus strand (G>A on the coding strand, the complement: LTBP2 is on the minus strand). VCF-style: chr14-74504031-C-T. GRCh37 (hg19) VCF-style: chr14-74970734-C-T.
Other names: short protein forms G1493R.
Identifiers: ClinVar variation 1427972 (VCV001427972.5), dbSNP rs755315066, ClinGen allele CA7268744.

ClinVar aggregate classification (germline): Uncertain significance (1 of 4 stars; one submission).

Allele frequency attached by ClinVar (database versions not stated): gnomAD exomes below 0.00001 and 0.00001; TOPMed below 0.00001; ExAC 0.00001.
gnomAD v4.1: 12 of 1,613,998 alleles (0.00074%); highest among the groups gnomAD compares: South Asian, 0.0011%; no homozygotes.

Submission:

Labcorp Genetics (formerly Invitae), Labcorp
Classification: Uncertain significance. Last evaluated: 2021-09-24. Review status: criteria provided, single submitter. Criteria: Invitae Variant Classification Sherloc (09022015). Collection method: clinical testing. Allele origin: germline.
Comment: This sequence change replaces glycine with arginine at codon 1493 of the LTBP2 protein (p.Gly1493Arg). The glycine residue is highly conserved and there is a moderate physicochemical difference between glycine and arginine. This variant is present in population databases (rs755315066, ExAC 0.002%). This variant has not been reported in the literature in individuals with LTBP2-related conditions. Algorithms developed to predict the effect of missense changes on protein structure and function (SIFT, PolyPhen-2, Align-GVGD) all suggest that this variant is likely to be disruptive, but these predictions have not been confirmed by published functional studies and their clinical significance is uncertain. Algorithms developed to predict the effect of sequence changes on RNA splicing suggest that this variant may create or strengthen a splice site, but this prediction has not been confirmed by published transcriptional studies. In summary, the available evidence is currently insufficient to determine the role of this variant in disease. Therefore, it has been classified as a Variant of Uncertain Significance.